The following is an entry in ClinVar:

ClinVar aggregate classification (germline): Pathogenic. Review status: criteria provided, single submitter (1 of 4 stars). 2 submissions from 2 submitters: Pathogenic (1). 1 of the submissions does not count toward it. Last evaluated 2022-12-01.

Conditions:
Reticular dysgenesis. Also called: ALEUKOCYTOSIS; CONGENITAL ALEUKIA; HEMATOPOIETIC HYPOPLASIA, GENERALIZED; RETICULAR DYSGENESIA; SEVERE COMBINED IMMUNODEFICIENCY WITH LEUKOPENIA; DeVaal disease. Identifiers: Orphanet 33355, MedGen C0272167, MONDO:0009973, OMIM 267500.

Submissions (2):

CeGaT Center for Human Genetics Tuebingen
Classification: Pathogenic. Last evaluated: 2022-12-01. Review status: criteria provided, single submitter. Criteria: CeGaT Center For Human Genetics Tuebingen Variant Classification Criteria Version 2. Collection method: clinical testing. Allele origin: germline. Affected: yes. Observed: 1 variant allele.
Comment: AK2: PVS1:Strong, PM2, PP4:Moderate, PM3:Supporting, PP1

OMIM
Classification: Pathogenic for RETICULAR DYSGENESIS. Last evaluated: 2009-01-01. Review status: no assertion criteria provided. Collection method: literature only. Allele origin: germline. Not counted in ClinVar's aggregate classification.

Literature cited by the submitters: PubMed 19043417 (cited by OMIM).

NM_001625.4(AK2):c.453del (p.Tyr152fs)

Gene: AK2 (adenylate kinase 2; minus strand). Cytogenetic location: 1p35.1.
Variant type: Deletion.
Coding change: c.453del on transcript NM_001625.4 (MANE Select); coding-DNA position 453, one base deleted (C; older notation c.453delC).
Protein change: p.Tyr152fs; shifts the reading frame from tyrosine 152.
Molecular consequence: frameshift variant. On other transcripts: non-coding transcript variant (1).
Genome position (GRCh38, 1-based): chr1:33,014,567, G deleted on the plus strand (C on the coding strand, the reverse complement: AK2 is on the minus strand); the first of 2 consecutive G bases (chr1:33,014,567-33,014,568); deleting either gives the same sequence. VCF-style (leftmost placement, unchanged base first): chr1-33014566-AG-A. GRCh37 (hg19) VCF-style: chr1-33480167-AG-A.
Other names: c.429del, p.Tyr144fs (NM_001199199.3); c.309del, p.Tyr104fs (NM_001319139.3, NM_001319140.2); c.453del, p.Tyr152fs (NM_001319141.3, NM_013411.5); c.327del, p.Tyr110fs (NM_001319142.3); c.358del, p.Leu120fs (NM_001319143.2); short protein forms Y104fs, Y152fs, L120fs, Y110fs, Y144fs.
Identifiers: ClinVar variation 18254 (VCV000018254.31), dbSNP rs1553151177, ClinGen allele CA658653736.